The following is an entry in ClinVar:

NM_001267550.2(TTN):c.45739A>C (p.Ile15247Leu)

Gene: TTN (titin; minus strand). Cytogenetic location: 2q31.2.
Variant type: single nucleotide variant.
Coding change: c.45739A>C on transcript NM_001267550.2 (MANE Select); coding-DNA position 45739, A replaced by C.
Protein change: p.Ile15247Leu; replaces isoleucine 15247 with leucine.
Molecular consequence: missense variant.
Genome position (GRCh38, 1-based): chr2:178,620,871, T>G on the plus strand (A>C on the coding strand, the complement: TTN is on the minus strand). VCF-style: chr2-178620871-T-G. GRCh37 (hg19) VCF-style: chr2-179485598-T-G.
Other names: c.40816A>C, p.Ile13606Leu (NM_001256850.1); c.18544A>C, p.Ile6182Leu (NM_003319.4); c.38035A>C, p.Ile12679Leu (NM_133378.4); c.18919A>C, p.Ile6307Leu (NM_133432.3); c.19120A>C, p.Ile6374Leu (NM_133437.4); short protein forms I12679L, I13606L, I15247L, I6182L, I6307L, I6374L.
Identifiers: ClinVar variation 2438288 (VCV002438288.6), dbSNP rs373857517, ClinGen allele CA60993739.

ClinVar aggregate classification (germline): Conflicting classifications of pathogenicity. Review status: criteria provided, conflicting classifications (1 of 4 stars). 4 submissions from 4 submitters: Uncertain significance (2); Likely benign (2). Last evaluated 2026-09-01.

Conditions:
TTN-related disorder. Also called: TTN-related condition; TTN-related disease; TTN-related disorders.

Allele frequency attached by ClinVar (database versions not stated): gnomAD exomes 0.00003; ESP Exome Variant Server 0.00008.
gnomAD v4.1: 44 of 1,612,508 alleles (0.0027%); highest among the groups gnomAD compares: Non-Finnish European, 0.0036%; 1 homozygote.

Submissions (4):

PreventionGenetics, part of Exact Sciences
Classification: Uncertain significance for TTN-related condition. Last evaluated: 2026-09-01. Review status: criteria provided, single submitter. Criteria: ACMG Guidelines, 2015. Collection method: clinical testing. Allele origin: germline.
Comment: The TTN c.45739A>C variant is predicted to result in the amino acid substitution p.Ile15247Leu. To our knowledge, this variant has not been reported in the literature. This variant is reported in 0.0039% of alleles in individuals of European (Non-Finnish) descent in gnomAD. At this time, the clinical significance of this variant is uncertain due to the absence of conclusive functional and genetic evidence.

Molecular Diagnostic Laboratory for Inherited Cardiovascular Disease, Montreal Heart Institute
Classification: Likely benign. Last evaluated: 2025-04-09. Review status: criteria provided, single submitter. Criteria: ACMG Guidelines, 2015. Collection method: clinical testing. Allele origin: germline. Affected: no.

Revvity Omics, Revvity
Classification: Uncertain significance. Last evaluated: 2024-09-10. Review status: criteria provided, single submitter. Criteria: ACMG Guidelines, 2015. Collection method: clinical testing. Allele origin: germline.

Blueprint Genetics
Classification: Likely benign. Last evaluated: 2021-04-20. Review status: criteria provided, single submitter. Criteria: ACMG Guidelines, 2015. Collection method: clinical testing. Allele origin: germline.